The following is an entry in ClinVar:

NM_001165963.4(SCN1A):c.4475_4476+1del

Genes: SCN1A (sodium voltage-gated channel alpha subunit 1; minus strand), LOC102724058 (uncharacterized LOC102724058; plus strand). Cytogenetic location: 2q24.3.
Variant type: Microsatellite.
Coding change: c.4475_4476+1del on transcript NM_001165963.4 (MANE Select); coding-DNA position 4475 through the canonical splice donor site of the intron after coding-DNA position 4476, 3 bases deleted (AGA; older notation c.4475_4476+1delAGA).
Molecular consequence: splice donor variant.
Genome position (GRCh38, 1-based): chr2:165,998,037-165,998,039, TCT deleted on the plus strand (AGA on the coding strand, the reverse complement: SCN1A is on the minus strand); deleting any 3 consecutive bases within chr2:165,998,037-165,998,043 gives the same sequence; the c. name uses the placement nearest the transcript's 3' end. VCF-style (leftmost placement, unchanged base first): chr2-165998036-ATCT-A. GRCh37 (hg19) VCF-style: chr2-166854546-ATCT-A.
Other names: c.4442_4443+1del (NM_001353949.2, NM_001353950.2, NM_001353951.2 and 2 more transcripts); c.4391_4392+1del (NM_001353958.2, NM_001353957.2, NM_001165964.3); c.4475_4476+1del (NM_001202435.3, NM_001353948.2); c.4439_4440+1del (NM_001353955.2, NM_001353954.2); c.4388_4389+1del (NM_001353960.2); c.2033_2034+1del (NM_001353961.2).
Identifiers: ClinVar variation 1709344 (VCV001709344.2), dbSNP rs2468393340, ClinGen allele CA2580614404.

ClinVar aggregate classification (germline): Likely pathogenic (1 of 4 stars; one submission).

Conditions:
Generalized epilepsy with febrile seizures plus, type 2 (GEFSP2). Also called: GEFS+, TYPE 2. Identifiers: Orphanet 36387, MedGen C1858673, MONDO:0011461, OMIM 604403.

Submission:

MGZ Medical Genetics Center
Classification: Likely pathogenic for Generalized epilepsy with febrile seizures plus, type 2. Last evaluated: 2022-04-05. Review status: criteria provided, single submitter. Criteria: ACMG Guidelines, 2015. Collection method: clinical testing. Allele origin: germline. Affected: yes. Observed: 1 variant allele.
Comment: ACMG criteria applied: PVS1, PM2_SUP